The following is an entry in ClinVar:

ClinVar aggregate classification (germline): Uncertain significance (1 of 4 stars; one submission).

Conditions:
Hereditary cancer-predisposing syndrome. Also called: Neoplastic Syndromes, Hereditary; Tumor predisposition; Hereditary Cancer Syndrome; Hereditary neoplastic syndrome. Identifiers: Orphanet 140162, MedGen C0027672, MeSH D009386, MONDO:0015356.

Submission:

Ambry Genetics
Classification: Uncertain significance for Hereditary cancer-predisposing syndrome. Last evaluated: 2026-03-22. Review status: criteria provided, single submitter. Criteria: Ambry Variant Classification Scheme 2023. Collection method: clinical testing. Allele origin: germline.
Comment: The p.R174T variant (also known as c.521G>C), located in coding exon 3 of the MSH6 gene, results from a G to C substitution at nucleotide position 521. The arginine at codon 174 is replaced by threonine, an amino acid with similar properties. This amino acid position is conserved. In addition, this alteration is predicted to be tolerated by in silico analysis. Based on the available evidence, the clinical significance of this variant remains unclear.

NM_000179.3(MSH6):c.521G>C (p.Arg174Thr)

Gene: MSH6 (mutS homolog 6; plus strand). Cytogenetic location: 2p16.3.
Variant type: single nucleotide variant.
Coding change: c.521G>C on transcript NM_000179.3 (MANE Select); coding-DNA position 521, G replaced by C.
Protein change: p.Arg174Thr; replaces arginine 174 with threonine.
Molecular consequence: missense variant. On other transcripts: non-coding transcript variant (5), intron variant (8), 5 prime UTR variant (5).
Genome position (GRCh38, 1-based): chr2:47,795,957, G>C. VCF-style: chr2-47795957-G-C. GRCh37 (hg19) VCF-style: chr2-48023096-G-C.
Other names: c.224G>C, p.Arg75Thr (NM_001406819.1, NM_001406820.1, NM_001406821.1 and 10 more transcripts); c.353G>C, p.Arg118Thr (NM_001406826.1); c.521G>C, p.Arg174Thr (NM_001407362.1, NM_001406796.1, NM_001406798.1 and 5 more transcripts); c.-279-2654G>C (NM_001406811.1, NM_001281493.2, NM_001406812.1 and 4 more transcripts); c.238-2654G>C (NM_001281492.2); c.-382G>C (NM_001281494.2); c.617G>C, p.Arg206Thr (NM_001406795.1, NM_001406802.1); c.-5G>C (NM_001406799.1, NM_001406806.1, NM_001406807.1); and 3 more; short protein forms R118T, R148T, R174T, R176T, R206T, R75T.
Identifiers: ClinVar variation 4860379 (VCV004860379.1).